The following is an entry in ClinVar:

ClinVar aggregate classification (germline): Uncertain significance. Review status: criteria provided, multiple submitters, no conflicts (2 of 4 stars). 2 submissions from 2 submitters: Uncertain significance (2). Last evaluated 2024-07-24.

Conditions:
Frontotemporal dementia and/or amyotrophic lateral sclerosis 4. Also called: FTDALS4. Identifiers: Orphanet 275872, MedGen C4225325, MONDO:0014641, OMIM 616439.
TBK1-related disorder. Also called: TBK1-related condition.

gnomAD v4.1: 31 of 1,612,542 alleles (0.0019%); highest among the groups gnomAD compares: African/African-American, 0.0027%; no homozygotes.

Submissions (2):

Labcorp Genetics (formerly Invitae), Labcorp
Classification: Uncertain significance for Frontotemporal dementia and/or amyotrophic lateral sclerosis 4. Last evaluated: 2024-07-24. Review status: criteria provided, single submitter. Criteria: Invitae Variant Classification Sherloc (09022015). Collection method: clinical testing. Allele origin: germline.
Comment: This sequence change replaces serine, which is neutral and polar, with cysteine, which is neutral and slightly polar, at codon 151 of the TBK1 protein (p.Ser151Cys). This variant is present in population databases (no rsID available, gnomAD 0.002%). This missense change has been observed in individual(s) with amyotrophic lateral sclerosis (Invitae). ClinVar contains an entry for this variant (Variation ID: 1464768). Advanced modeling of protein sequence and biophysical properties (such as structural, functional, and spatial information, amino acid conservation, physicochemical variation, residue mobility, and thermodynamic stability) performed at Invitae indicates that this missense variant is not expected to disrupt TBK1 protein function with a negative predictive value of 95%. Experimental studies have shown that this missense change affects TBK1 function (PMID: 31748271). This variant disrupts the p.Ser151 amino acid residue in TBK1. Other variant(s) that disrupt this residue have been observed in individuals with TBK1-related conditions (Invitae), which suggests that this may be a clinically significant amino acid residue. In summary, the available evidence is currently insufficient to determine the role of this variant in disease. Therefore, it has been classified as a Variant of Uncertain Significance.

PreventionGenetics, part of Exact Sciences
Classification: Uncertain significance for TBK1-related condition. Last evaluated: 2023-08-15. Review status: criteria provided, single submitter. Criteria: ACMG Guidelines, 2015. Collection method: clinical testing. Allele origin: germline.
Comment: The TBK1 c.452C>G variant is predicted to result in the amino acid substitution p.Ser151Cys. To our knowledge, this variant has not been reported in individuals with TBK1-related disorders. The p.Ser151Cys substitution has been reported to decrease TBK1 kinase activity (Ye et al. 2019. PubMed ID: 31748271). This variant is reported in 0.00088% of alleles in individuals of European (Non-Finnish) descent in gnomAD. At this time, the clinical significance of this variant is uncertain due to the absence of conclusive functional and genetic evidence.

Literature cited by the submitters: PubMed 31748271 (cited by Labcorp Genetics (formerly Invitae), Labcorp).

NM_013254.4(TBK1):c.452C>G (p.Ser151Cys)

Gene: TBK1 (TANK binding kinase 1; plus strand). Cytogenetic location: 12q14.2.
Variant type: single nucleotide variant.
Coding change: c.452C>G on transcript NM_013254.4 (MANE Select); coding-DNA position 452, C replaced by G.
Protein change: p.Ser151Cys; replaces serine 151 with cysteine.
Molecular consequence: missense variant.
Genome position (GRCh38, 1-based): chr12:64,466,994, C>G. VCF-style: chr12-64466994-C-G. GRCh37 (hg19) VCF-style: chr12-64860774-C-G.
Other names: c.452C>G (NM_013254.3); short protein forms S151C.
Identifiers: ClinVar variation 1464768 (VCV001464768.6), dbSNP rs55824172, ClinGen allele CA238252876.